The following is an entry in ClinVar:

ClinVar aggregate classification (germline): Conflicting classifications of pathogenicity. Review status: criteria provided, conflicting classifications (1 of 4 stars). 7 submissions from 7 submitters: Uncertain significance (1); Benign (1); Likely benign (5). Last evaluated 2025-09-30.

Conditions:
Hereditary nonpolyposis colorectal neoplasms. Identifiers: MedGen C0009405, MeSH D003123.
Hereditary cancer-predisposing syndrome. Also called: Neoplastic Syndromes, Hereditary; Tumor predisposition; Hereditary Cancer Syndrome; Hereditary neoplastic syndrome. Identifiers: Orphanet 140162, MedGen C0027672, MeSH D009386, MONDO:0015356.
Lynch syndrome 4 (LYNCH4). Also called: Colorectal cancer, hereditary nonpolyposis, type 4; Hereditary non-polyposis colorectal cancer, type 4. Identifiers: Orphanet 144, MedGen C1838333, MONDO:0013699, OMIM 614337. Disease mechanism: loss of function.

gnomAD v4.1: 3 of 1,614,024 alleles (0.00019%); highest among the groups gnomAD compares: Non-Finnish European, 0.00017%; no homozygotes.

Submissions (7):

Labcorp Genetics (formerly Invitae), Labcorp
Classification: Likely benign for Hereditary nonpolyposis colorectal neoplasms. Last evaluated: 2025-09-30. Review status: criteria provided, single submitter. Criteria: Invitae Variant Classification Sherloc (09022015). Collection method: clinical testing. Allele origin: germline.

Quest Diagnostics Nichols Institute San Juan Capistrano
Classification: Likely benign. Last evaluated: 2025-09-24. Review status: criteria provided, single submitter. Criteria: Quest Diagnostics criteria. Collection method: clinical testing. Allele origin: unknown.

Myriad Genetics, Inc.
Classification: Benign for Lynch syndrome 4. Last evaluated: 2025-01-30. Review status: criteria provided, single submitter. Criteria: Myriad Autosomal Dominant, Autosomal Recessive and X-Linked Classification Criteria (2023). Collection method: clinical testing. Allele origin: unknown.
Comment: This variant is considered benign. This variant is a silent/synonymous amino acid change and it is not expected to impact splicing.

Color Diagnostics, LLC DBA Color Health
Classification: Likely benign for Hereditary cancer-predisposing syndrome. Last evaluated: 2019-10-03. Review status: criteria provided, single submitter. Criteria: ACMG Guidelines, 2015. Collection method: clinical testing. Allele origin: germline.

Women's Health and Genetics/Laboratory Corporation of America, LabCorp
Classification: Likely benign. Last evaluated: 2019-08-29. Review status: criteria provided, single submitter. Criteria: LabCorp Variant Classification Summary - May 2015. Collection method: clinical testing. Allele origin: germline.

Genetic Services Laboratory, University of Chicago
Classification: Uncertain significance. Last evaluated: 2017-11-09. Review status: criteria provided, single submitter. Criteria: ACMG Guidelines, 2015. Collection method: clinical testing. Allele origin: germline. Affected: no.

Ambry Genetics
Classification: Likely benign for Hereditary cancer-predisposing syndrome. Last evaluated: 2017-02-14. Review status: criteria provided, single submitter. Criteria: Ambry Variant Classification Scheme 2023. Collection method: clinical testing. Allele origin: germline.

NM_000535.7(PMS2):c.1224T>C (p.Thr408=)

Gene: PMS2 (PMS1 homolog 2, mismatch repair system component; minus strand). Cytogenetic location: 7p22.1.
Variant type: single nucleotide variant.
Coding change: c.1224T>C on transcript NM_000535.7 (MANE Select); coding-DNA position 1224, T replaced by C.
Protein change: p.Thr408=; no amino-acid change (threonine 408 retained).
Molecular consequence: synonymous variant. On other transcripts: non-coding transcript variant (1).
Genome position (GRCh38, 1-based): chr7:5,987,541, A>G on the plus strand (T>C on the coding strand, the complement: PMS2 is on the minus strand). VCF-style: chr7-5987541-A-G. GRCh37 (hg19) VCF-style: chr7-6027172-A-G.
Other names: c.819T>C, p.Thr273= (NM_001322003.2, NM_001322004.2, NM_001322005.2 and 1 more transcripts); c.1068T>C, p.Thr356= (NM_001322006.2); c.906T>C, p.Thr302= (NM_001322007.2, NM_001322008.2); c.663T>C, p.Thr221= (NM_001322010.2); c.291T>C, p.Thr97= (NM_001322011.2, NM_001322012.2); c.651T>C, p.Thr217= (NM_001322013.2); c.1224T>C, p.Thr408= (NM_001322014.2); c.915T>C, p.Thr305= (NM_001322015.2).
Identifiers: ClinVar variation 484308 (VCV000484308.25), dbSNP rs1554298007, ClinGen allele CA453748461.